The following is an entry in ClinVar:

ClinVar aggregate classification (germline): Likely benign (1 of 4 stars; one submission).

Conditions:
CLDN1-related disorder. Also called: CLDN1-related condition.

Submission:

PreventionGenetics, part of Exact Sciences
Classification: Likely benign for CLDN1-related condition. Last evaluated: 2026-05-07. Review status: criteria provided, single submitter. Criteria: ACMG Guidelines, 2015. Collection method: clinical testing. Allele origin: germline.
Comment: This variant is classified as likely benign based on ACMG/AMP sequence variant interpretation guidelines (Richards et al. 2015 PMID: 25741868, with internal and published modifications).

NM_021101.5(CLDN1):c.219G>A (p.Leu73=)

Genes: CLDN1 (claudin 1; minus strand), CLDN16 (claudin 16; plus strand). Cytogenetic location: 3q28.
Variant type: single nucleotide variant.
Coding change: c.219G>A on transcript NM_021101.5 (MANE Select); coding-DNA position 219, G replaced by A.
Protein change: p.Leu73=; no amino-acid change (leucine 73 retained).
Molecular consequence: synonymous variant. On other transcripts: intron variant (2).
Genome position (GRCh38, 1-based): chr3:190,321,988, C>T on the plus strand (G>A on the coding strand, the complement: CLDN1 is on the minus strand). VCF-style: chr3-190321988-C-T. GRCh37 (hg19) VCF-style: chr3-190039777-C-T.
Other names: c.-279+6929C>T (NM_001378492.1); c.-279+31397C>T (NM_001378493.1).
Identifiers: ClinVar variation 4991735 (VCV004991735.1).
Genomic context (GRCh38, chr3:190,321,988, plus strand): 5'-AGCTGCAGGGGGACTGGGGCCTCTGGACGGCCGCTGTGAGGTGGGGGTGCACTCACTGCT[C>T]AGATTCAGCAAGGAGTCAAAGACTTTGCACTGGATCTGCCCGGTGCTCTGCGACACGCAG-3'
Protein context (NP_066924.1, residues 63-83): QCKVFDSLLN[Leu73=]SSTLQATRAL